The following is an entry in ClinVar:

ClinVar aggregate classification (germline): Pathogenic/Likely pathogenic. Review status: criteria provided, multiple submitters, no conflicts (2 of 4 stars). 3 submissions from 3 submitters: Pathogenic (1); Likely pathogenic (1). 1 of the submissions does not count toward it. Last evaluated 2022-05-04.

Conditions:
Neurodevelopmental disorder with microcephaly and dysmorphic facies. Also called: Nabais Sa-de Vries syndrome, type 1. Identifiers: Orphanet 662179, MedGen C5394218, MONDO:0032942, OMIM 618828.

Submissions (3):

Mendelics
Classification: Pathogenic for Neurodevelopmental disorder with microcephaly and dysmorphic facies. Last evaluated: 2022-05-04. Review status: criteria provided, single submitter. Criteria: Mendelics Assertion Criteria 2019. Collection method: clinical testing. Allele origin: germline.

SIB Swiss Institute of Bioinformatics
Classification: Likely pathogenic for Neurodevelopmental disorder with microcephaly and dysmorphic facies. Last evaluated: 2020-09-10. Review status: criteria provided, single submitter. Criteria: ACMG Guidelines, 2015. Collection method: curation. Allele origin: unknown.
Comment: This variant is interpreted as likely pathogenic for Nabais Sa-de Vries syndrome 1, autosomal dominant. The following ACMG Tag(s) were applied: Absent from controls (or at extremely low frequency if recessive) in Exome Sequencing Project, 1000 Genomes Project, or Exome Aggregation Consortium (PM2); De novo (paternity and maternity confirmed) (PS2); Missense variant in a gene that has a low rate of benign missense variation and in which missense variants are a common mechanism of disease (PP2). Well-established functional studies show a deleterious effect (PS3 downgraded to supporting).

OMIM
Classification: Pathogenic for NABAIS SA-DE VRIES SYNDROME, TYPE 1. Last evaluated: 2025-03-07. Review status: no assertion criteria provided. Collection method: literature only. Allele origin: germline. Not counted in ClinVar's aggregate classification.

Literature cited by the submitters: PubMed 32109420 (cited by SIB Swiss Institute of Bioinformatics and OMIM).

NM_001007228.2(SPOP):c.430G>A (p.Asp144Asn)

Gene: SPOP (speckle type BTB/POZ protein; minus strand). Cytogenetic location: 17q21.33.
Variant type: single nucleotide variant.
Coding change: c.430G>A on transcript NM_001007228.2 (MANE Select); coding-DNA position 430, G replaced by A.
Protein change: p.Asp144Asn; replaces aspartic acid 144 with asparagine.
Molecular consequence: missense variant.
Genome position (GRCh38, 1-based): chr17:49,619,031, C>T on the plus strand (G>A on the coding strand, the complement: SPOP is on the minus strand). VCF-style: chr17-49619031-C-T. GRCh37 (hg19) VCF-style: chr17-47696393-C-T.
Other names: c.430G>A, p.Asp144Asn (NM_001007226.1, NM_001007227.1, NM_001007229.1 and 5 more transcripts); short protein forms D144N.
Identifiers: ClinVar variation 830356 (VCV000830356.6), dbSNP rs2072153488, ClinGen allele CA400156616.